The following is an entry in ClinVar:

ClinVar aggregate classification (germline): Uncertain significance (1 of 4 stars; one submission).

Submission:

GeneDx
Classification: Uncertain significance. Last evaluated: 2020-08-14. Review status: criteria provided, single submitter. Criteria: GeneDx Variant Classification Process June 2021. Collection method: clinical testing. Allele origin: germline. Affected: yes.
Comment: Not observed in large population cohorts (Lek et al., 2016); In silico analysis supports that this missense variant has a deleterious effect on protein structure/function; Has not been previously published as pathogenic or benign to our knowledge

NM_001270508.2(TNFAIP3):c.625G>T (p.Val209Phe)

Genes: TNFAIP3 (TNF alpha induced protein 3; plus strand), LOC126859807 (MED14-independent group 3 enhancer GRCh37_chr6:138196296-138197495; plus strand). Cytogenetic location: 6q23.3.
Variant type: single nucleotide variant.
Coding change: c.625G>T on transcript NM_001270508.2 (MANE Select); coding-DNA position 625, G replaced by T.
Protein change: p.Val209Phe; replaces valine 209 with phenylalanine.
Molecular consequence: missense variant.
Genome position (GRCh38, 1-based): chr6:137,875,826, G>T. VCF-style: chr6-137875826-G-T. GRCh37 (hg19) VCF-style: chr6-138196963-G-T.
Other names: c.625G>T, p.Val209Phe (NM_001270507.2, NM_006290.4); short protein forms V209F.
Identifiers: ClinVar variation 1304478 (VCV001304478.2), dbSNP rs765193387, ClinGen allele CA365783851.